The following is an entry in ClinVar:

ClinVar aggregate classification (germline): Uncertain significance (1 of 4 stars; one submission).

gnomAD v4.1: 8 of 1,614,154 alleles (0.0005%); highest among the groups gnomAD compares: South Asian, 0.0088%; no homozygotes.

Submission:

Labcorp Genetics (formerly Invitae), Labcorp
Classification: Uncertain significance. Last evaluated: 2025-10-23. Review status: criteria provided, single submitter. Criteria: Invitae Variant Classification Sherloc (09022015). Collection method: clinical testing. Allele origin: germline.
Comment: This sequence change replaces phenylalanine, which is neutral and non-polar, with valine, which is neutral and non-polar, at codon 1385 of the LRP6 protein (p.Phe1385Val). This variant is present in population databases (rs746994324, gnomAD 0.003%). This variant has not been reported in the literature in individuals affected with LRP6-related conditions. ClinVar contains an entry for this variant (Variation ID: 3699890). Invitae Evidence Modeling of protein sequence and biophysical properties (such as structural, functional, and spatial information, amino acid conservation, physicochemical variation, residue mobility, and thermodynamic stability) indicates that this missense variant is not expected to disrupt LRP6 protein function with a negative predictive value of 80%. In summary, the available evidence is currently insufficient to determine the role of this variant in disease. Therefore, it has been classified as a Variant of Uncertain Significance.

NM_002336.3(LRP6):c.4153T>G (p.Phe1385Val)

Gene: LRP6 (LDL receptor related protein 6; minus strand). Cytogenetic location: 12p13.2.
Variant type: single nucleotide variant.
Coding change: c.4153T>G on transcript NM_002336.3 (MANE Select); coding-DNA position 4153, T replaced by G.
Protein change: p.Phe1385Val; replaces phenylalanine 1385 with valine.
Molecular consequence: missense variant. On other transcripts: non-coding transcript variant (1).
Genome position (GRCh38, 1-based): chr12:12,126,850, A>C on the plus strand (T>G on the coding strand, the complement: LRP6 is on the minus strand). VCF-style: chr12-12126850-A-C. GRCh37 (hg19) VCF-style: chr12-12279784-A-C.
Other names: c.4246T>G, p.Phe1416Val (NM_001414244.1); c.4153T>G, p.Phe1385Val (NM_001414245.1, NM_001414248.1, NM_001414249.1 and 1 more transcripts); c.4018T>G, p.Phe1340Val (NM_001414246.1); c.3955T>G, p.Phe1319Val (NM_001414247.1); c.3790T>G, p.Phe1264Val (NM_001414251.1); c.3700T>G, p.Phe1234Val (NM_001414252.1, NM_001414253.1, NM_001414254.1); c.3646T>G, p.Phe1216Val (NM_001414255.1); short protein forms F1216V, F1264V, F1416V, F1234V, F1340V, F1319V, F1385V.
Identifiers: ClinVar variation 3699890 (VCV003699890.2).